The following is an entry in ClinVar:

ClinVar aggregate classification (germline): Uncertain significance (1 of 4 stars; one submission).

gnomAD v4.1: 1 of 1,614,070 alleles (0.000062%); no homozygotes.

Submission:

Labcorp Genetics (formerly Invitae), Labcorp
Classification: Uncertain significance. Last evaluated: 2024-11-18. Review status: criteria provided, single submitter. Criteria: Invitae Variant Classification Sherloc (09022015). Collection method: clinical testing. Allele origin: germline.
Comment: This sequence change replaces proline, which is neutral and non-polar, with serine, which is neutral and polar, at codon 1282 of the COL4A1 protein (p.Pro1282Ser). This variant is not present in population databases (gnomAD no frequency). This variant has not been reported in the literature in individuals affected with COL4A1-related conditions. Invitae Evidence Modeling of protein sequence and biophysical properties (such as structural, functional, and spatial information, amino acid conservation, physicochemical variation, residue mobility, and thermodynamic stability) indicates that this missense variant is not expected to disrupt COL4A1 protein function with a negative predictive value of 95%. In summary, the available evidence is currently insufficient to determine the role of this variant in disease. Therefore, it has been classified as a Variant of Uncertain Significance.

NM_001845.6(COL4A1):c.3844C>T (p.Pro1282Ser)

Gene: COL4A1 (collagen type IV alpha 1 chain; minus strand). Cytogenetic location: 13q34.
Variant type: single nucleotide variant.
Coding change: c.3844C>T on transcript NM_001845.6 (MANE Select); coding-DNA position 3844, C replaced by T.
Protein change: p.Pro1282Ser; replaces proline 1282 with serine.
Molecular consequence: missense variant.
Genome position (GRCh38, 1-based): chr13:110,169,661, G>A on the plus strand (C>T on the coding strand, the complement: COL4A1 is on the minus strand). VCF-style: chr13-110169661-G-A. GRCh37 (hg19) VCF-style: chr13-110822008-G-A.
Other names: short protein forms P1282S.
Identifiers: ClinVar variation 3695664 (VCV003695664.2).